The following is an entry in ClinVar:

ClinVar aggregate classification (germline): Uncertain significance (1 of 4 stars; one submission).

Conditions:
Familial thoracic aortic aneurysm and aortic dissection (TAAD). Also called: Thoracic aortic aneurysms and dissections. Identifiers: Orphanet 91387, MedGen C4707243, MONDO:0019625.

Submission:

Color Diagnostics, LLC DBA Color Health
Classification: Uncertain significance for Familial thoracic aortic aneurysm and aortic dissection. Last evaluated: 2024-03-07. Review status: criteria provided, single submitter. Criteria: ACMG Guidelines, 2015. Collection method: clinical testing. Allele origin: germline.
Comment: This missense variant replaces tyrosine with histidine at codon 2639 of the FBN1 protein. Computational prediction suggests that this variant may have deleterious impact on protein structure and function (internally defined REVEL score threshold >= 0.7, PMID: 27666373). To our knowledge, functional studies have not been reported for this variant. This variant has not been reported in individuals affected with cardiovascular disorders in the literature. This variant has not been identified in the general population by the Genome Aggregation Database (gnomAD). The available evidence is insufficient to determine the role of this variant in disease conclusively. Therefore, this variant is classified as a Variant of Uncertain Significance.

NM_000138.5(FBN1):c.7915T>C (p.Tyr2639His)

Gene: FBN1 (fibrillin 1; minus strand). Cytogenetic location: 15q21.1.
Variant type: single nucleotide variant.
Coding change: c.7915T>C on transcript NM_000138.5 (MANE Select); coding-DNA position 7915, T replaced by C.
Protein change: p.Tyr2639His; replaces tyrosine 2639 with histidine.
Molecular consequence: missense variant.
Genome position (GRCh38, 1-based): chr15:48,415,672, A>G on the plus strand (T>C on the coding strand, the complement: FBN1 is on the minus strand). VCF-style: chr15-48415672-A-G. GRCh37 (hg19) VCF-style: chr15-48707869-A-G.
Other names: short protein forms Y2639H.
Identifiers: ClinVar variation 1171713 (VCV001171713.3), dbSNP rs2042898051, ClinGen allele CA392323129.